The following is an entry in ClinVar:

ClinVar aggregate classification (germline): Uncertain significance (1 of 4 stars; one submission).

Submission:

Ambry Genetics
Classification: Uncertain significance. Last evaluated: 2022-07-02. Review status: criteria provided, single submitter. Criteria: Ambry Variant Classification Scheme 2023. Collection method: clinical testing. Allele origin: germline.
Comment: The p.D368E variant (also known as c.1104T>A), located in coding exon 3 of the PALLD gene, results from a T to A substitution at nucleotide position 1104. The aspartic acid at codon 368 is replaced by glutamic acid, an amino acid with highly similar properties. This amino acid position is conserved. In addition, this alteration is predicted to be tolerated by in silico analysis. Since supporting evidence is limited at this time, the clinical significance of this alteration remains unclear.

NM_001166108.2(PALLD):c.1104T>A (p.Asp368Glu)

Gene: PALLD (palladin, cytoskeletal associated protein; plus strand). Cytogenetic location: 4q32.3.
Variant type: single nucleotide variant.
Coding change: c.1104T>A on transcript NM_001166108.2 (MANE Select); coding-DNA position 1104, T replaced by A.
Protein change: p.Asp368Glu; replaces aspartic acid 368 with glutamic acid.
Molecular consequence: missense variant. On other transcripts: 5 prime UTR variant (1).
Genome position (GRCh38, 1-based): chr4:168,681,348, T>A. VCF-style: chr4-168681348-T-A. GRCh37 (hg19) VCF-style: chr4-169602499-T-A.
Other names: c.-43T>A (NM_001166109.2); c.1104T>A, p.Asp368Glu (NM_016081.4); short protein forms D368E.
Identifiers: ClinVar variation 1793390 (VCV001793390.2), dbSNP rs2531573713, ClinGen allele CA358794014.